The following is an entry in ClinVar:

ClinVar aggregate classification (germline): Likely benign (1 of 4 stars; one submission).

gnomAD v4.1: 5 of 1,614,018 alleles (0.00031%); highest among the groups gnomAD compares: Non-Finnish European, 0.00042%; no homozygotes.

Submission:

CeGaT Center for Human Genetics Tuebingen
Classification: Likely benign. Last evaluated: 2023-09-01. Review status: criteria provided, single submitter. Criteria: CeGaT Center For Human Genetics Tuebingen Variant Classification Criteria Version 2. Collection method: clinical testing. Allele origin: germline. Affected: yes. Observed: 1 variant allele.
Comment: DNAH1: PM2:Supporting, BP4, BP7

NM_015512.5(DNAH1):c.4635T>C (p.Tyr1545=)

Gene: DNAH1 (dynein axonemal heavy chain 1; plus strand). Cytogenetic location: 3p21.1.
Variant type: single nucleotide variant.
Coding change: c.4635T>C on transcript NM_015512.5 (MANE Select); coding-DNA position 4635, T replaced by C.
Protein change: p.Tyr1545=; no amino-acid change (tyrosine 1545 retained).
Molecular consequence: synonymous variant.
Genome position (GRCh38, 1-based): chr3:52,360,374, T>C. VCF-style: chr3-52360374-T-C. GRCh37 (hg19) VCF-style: chr3-52394390-T-C.
Identifiers: ClinVar variation 2653881 (VCV002653881.24), dbSNP rs1702804909, ClinGen allele CA433762144.